The following is an entry in ClinVar:

NM_198252.3(GSN):c.88G>A (p.Val30Met)

Gene: GSN (gelsolin; plus strand). Cytogenetic location: 9q33.2.
Variant type: single nucleotide variant.
Coding change: c.88G>A on transcript NM_198252.3 (MANE Select); coding-DNA position 88, G replaced by A.
Protein change: p.Val30Met; replaces valine 30 with methionine.
Molecular consequence: missense variant. On other transcripts: intron variant (1).
Genome position (GRCh38, 1-based): chr9:121,302,059, G>A. VCF-style: chr9-121302059-G-A. GRCh37 (hg19) VCF-style: chr9-124064337-G-A.
Other names: c.121G>A, p.Val41Met (NM_001353069.2, NM_001353070.2, NM_001353071.2 and 13 more transcripts); c.160G>A, p.Val54Met (NM_001353076.2); c.-458-852G>A (NM_001353078.2); c.88G>A, p.Val30Met (NM_001353059.2, NM_001353060.2, NM_001353061.2 and 10 more transcripts); c.139G>A, p.Val47Met (NM_001258029.2); c.112G>A, p.Val38Met (NM_001258030.2); c.241G>A, p.Val81Met (NM_000177.5); c.196G>A, p.Val66Met (NM_001127663.2); short protein forms V41M, V54M, V81M, V47M, V30M, V38M, V66M.
Identifiers: ClinVar variation 2969850 (VCV002969850.3), dbSNP rs376961112, ClinGen allele CA199406941.

ClinVar aggregate classification (germline): Uncertain significance (1 of 4 stars; one submission).

Allele frequency attached by ClinVar (database versions not stated): gnomAD exomes below 0.00001; gnomAD 0.00002; TOPMed 0.00002; ESP Exome Variant Server 0.00008.
gnomAD v4.1: 9 of 1,614,096 alleles (0.00056%); highest among the groups gnomAD compares: African/African-American, 0.0067%; no homozygotes.

Submission:

Labcorp Genetics (formerly Invitae), Labcorp
Classification: Uncertain significance. Last evaluated: 2023-12-28. Review status: criteria provided, single submitter. Criteria: Invitae Variant Classification Sherloc (09022015). Collection method: clinical testing. Allele origin: germline.
Comment: This sequence change replaces valine, which is neutral and non-polar, with methionine, which is neutral and non-polar, at codon 81 of the GSN protein (p.Val81Met). This variant is present in population databases (rs376961112, gnomAD 0.008%). This missense change has been observed in individual(s) with GSN-related conditions (Invtiae). An algorithm developed to predict the effect of missense changes on protein structure and function (PolyPhen-2) suggests that this variant is likely to be disruptive. In summary, the available evidence is currently insufficient to determine the role of this variant in disease. Therefore, it has been classified as a Variant of Uncertain Significance.